The following is an entry in ClinVar:

ClinVar aggregate classification (germline): Uncertain significance. Review status: criteria provided, multiple submitters, no conflicts (2 of 4 stars). 2 submissions from 2 submitters: Uncertain significance (2). Last evaluated 2025-12-17.

Allele frequency attached by ClinVar (database versions not stated): 1000 Genomes Project 30x 0.00016; ExAC 0.00016; TOPMed 0.00016; gnomAD exomes 0.00017 and 0.00023; 1000 Genomes Project 0.00020; gnomAD 0.00021 and 0.00023; ESP Exome Variant Server 0.00024.
gnomAD v4.1: 362 of 1,611,228 alleles (0.022%); highest among the groups gnomAD compares: Non-Finnish European, 0.029%; no homozygotes.

Submissions (2):

Labcorp Genetics (formerly Invitae), Labcorp
Classification: Uncertain significance. Last evaluated: 2025-12-17. Review status: criteria provided, single submitter. Criteria: Invitae Variant Classification Sherloc (09022015). Collection method: clinical testing. Allele origin: germline.
Comment: This sequence change replaces leucine, which is neutral and non-polar, with proline, which is neutral and non-polar, at codon 413 of the FSCN2 protein (p.Leu413Pro). This variant is present in population databases (rs201628937, gnomAD 0.03%). This variant has not been reported in the literature in individuals affected with FSCN2-related conditions. ClinVar contains an entry for this variant (Variation ID: 961439). An algorithm developed to predict the effect of missense changes on protein structure and function outputs the following: PolyPhen-2: "Benign". The proline amino acid residue is found in multiple mammalian species, which suggests that this missense change does not adversely affect protein function. In summary, the available evidence is currently insufficient to determine the role of this variant in disease. Therefore, it has been classified as a Variant of Uncertain Significance.

Ambry Genetics
Classification: Uncertain significance. Last evaluated: 2024-05-15. Review status: criteria provided, single submitter. Criteria: Ambry Variant Classification Scheme 2023. Collection method: clinical testing. Allele origin: germline.

NM_012418.4(FSCN2):c.1166T>C (p.Leu389Pro)

Gene: FSCN2 (fascin actin-bundling protein 2, retinal; plus strand). Cytogenetic location: 17q25.3.
Variant type: single nucleotide variant.
Coding change: c.1166T>C on transcript NM_012418.4 (MANE Select); coding-DNA position 1166, T replaced by C.
Protein change: p.Leu389Pro; replaces leucine 389 with proline.
Molecular consequence: missense variant.
Genome position (GRCh38, 1-based): chr17:81,536,682, T>C. VCF-style: chr17-81536682-T-C. GRCh37 (hg19) VCF-style: chr17-79503708-T-C.
Other names: c.1238T>C, p.Leu413Pro (NM_001077182.3); short protein forms L413P, L389P.
Identifiers: ClinVar variation 961439 (VCV000961439.10), dbSNP rs201628937, ClinGen allele CA8837025.